The following is an entry in ClinVar:

ClinVar aggregate classification (germline): Uncertain significance. Review status: criteria provided, multiple submitters, no conflicts (2 of 4 stars). 2 submissions from 2 submitters: Uncertain significance (2). Last evaluated 2024-07-24.

Conditions:
Hereditary cancer-predisposing syndrome. Also called: Tumor predisposition; Hereditary Cancer Syndrome; Neoplastic Syndromes, Hereditary; Hereditary neoplastic syndrome. Identifiers: Orphanet 140162, MedGen C0027672, MeSH D009386, MONDO:0015356.
Endometrial carcinoma. Also called: Endometrial carcinoma, somatic. Identifiers: MedGen C0476089, MONDO:0002447, OMIM 608089, HP:0012114.

Submissions (2):

Ambry Genetics
Classification: Uncertain significance for Hereditary cancer-predisposing syndrome. Last evaluated: 2024-07-24. Review status: criteria provided, single submitter. Criteria: Ambry Variant Classification Scheme 2023. Collection method: clinical testing. Allele origin: germline.
Comment: The p.L990V variant (also known as c.2968T>G), located in coding exon 4 of the MSH6 gene, results from a T to G substitution at nucleotide position 2968. The leucine at codon 990 is replaced by valine, an amino acid with highly similar properties. This amino acid position is not well conserved in available vertebrate species. In addition, this alteration is predicted to be tolerated by in silico analysis. Based on the available evidence, the clinical significance of this variant remains unclear.

Baylor Genetics
Classification: Uncertain significance for Endometrial carcinoma. Last evaluated: 2023-09-26. Review status: criteria provided, single submitter. Criteria: ACMG Guidelines, 2015. Collection method: clinical testing. Allele origin: unknown.

NM_000179.3(MSH6):c.2968T>G (p.Leu990Val)

Gene: MSH6 (mutS homolog 6; plus strand). Cytogenetic location: 2p16.3.
Variant type: single nucleotide variant.
Coding change: c.2968T>G on transcript NM_000179.3 (MANE Select); coding-DNA position 2968, T replaced by G.
Protein change: p.Leu990Val; replaces leucine 990 with valine.
Molecular consequence: missense variant.
Genome position (GRCh38, 1-based): chr2:47,800,951, T>G. VCF-style: chr2-47800951-T-G. GRCh37 (hg19) VCF-style: chr2-48028090-T-G.
Other names: c.2578T>G, p.Leu860Val (NM_001281492.2); c.2062T>G, p.Leu688Val (NM_001281493.2, NM_001281494.2); short protein forms L990V, L688V, L860V.
Identifiers: ClinVar variation 822381 (VCV000822381.6), dbSNP rs1178799836, ClinGen allele CA346756310.
Genomic context (GRCh38, chr2:47,800,951, plus strand): 5'-TGGGGGATTGGTAGGAACCGTTACCAGCTGGAAATTCCTGAGAATTTCACCACTCGCAAT[T>G]TGCCAGAAGAATACGAGTTGAAATCTACCAAGAAGGGCTGTAAACGATACTGGACCAAAA-3'
Protein context (NP_000170.1, residues 980-1000): EIPENFTTRN[Leu990Val]PEEYELKSTK